The following is an entry in ClinVar:

NM_000059.4(BRCA2):c.7783G>C (p.Ala2595Pro)

Gene: BRCA2 (BRCA2 DNA repair associated; plus strand). Cytogenetic location: 13q13.1.
Variant type: single nucleotide variant.
Coding change: c.7783G>C on transcript NM_000059.4 (MANE Select); coding-DNA position 7783, G replaced by C.
Protein change: p.Ala2595Pro; replaces alanine 2595 with proline.
Molecular consequence: missense variant. On other transcripts: non-coding transcript variant (1).
Genome position (GRCh38, 1-based): chr13:32,357,907, G>C. VCF-style: chr13-32357907-G-C. GRCh37 (hg19) VCF-style: chr13-32932044-G-C.
Other names: c.7687G>C, p.Ala2563Pro (NM_001406719.1); c.7783G>C, p.Ala2595Pro (NM_001406720.1, NM_001432077.1); c.2851G>C, p.Ala951Pro (NM_001406721.1); c.1366G>C, p.Ala456Pro (NM_001406722.1); short protein forms A456P, A2563P, A951P, A2595P.
Identifiers: ClinVar variation 3636525 (VCV003636525.2).

ClinVar aggregate classification (germline): Uncertain significance (1 of 4 stars; one submission).

Conditions:
Hereditary breast ovarian cancer syndrome. Also called: Hereditary breast and ovarian cancer syndrome; Hereditary breast and ovarian cancer syndrome (HBOC); BRCA1- and BRCA2-Associated Hereditary Breast and Ovarian Cancer; Hereditary breast and ovarian cancer; Breast and ovarian cancer; Hereditary breast and/or ovarian cancer syndrome. Identifiers: Orphanet 145, MedGen C0677776, MeSH D061325, MONDO:0003582. Disease mechanism: loss of function.

gnomAD v4.1: 1 of 1,614,090 alleles (0.000062%); highest among the groups gnomAD compares: Non-Finnish European, 0.000085%; no homozygotes.

Submission:

Labcorp Genetics (formerly Invitae), Labcorp
Classification: Uncertain significance for Hereditary breast ovarian cancer syndrome. Last evaluated: 2025-10-01. Review status: criteria provided, single submitter. Criteria: Invitae Variant Classification Sherloc (09022015). Collection method: clinical testing. Allele origin: germline.
Comment: This sequence change replaces alanine, which is neutral and non-polar, with proline, which is neutral and non-polar, at codon 2595 of the BRCA2 protein (p.Ala2595Pro). This variant is not present in population databases (gnomAD no frequency). This variant has not been reported in the literature in individuals affected with BRCA2-related conditions. ClinVar contains an entry for this variant (Variation ID: 3636525). Invitae Evidence Modeling of protein sequence and biophysical properties (such as structural, functional, and spatial information, amino acid conservation, physicochemical variation, residue mobility, and thermodynamic stability) indicates that this missense variant is not expected to disrupt BRCA2 protein function with a negative predictive value of 95%. In summary, the available evidence is currently insufficient to determine the role of this variant in disease. Therefore, it has been classified as a Variant of Uncertain Significance.